The following is an entry in ClinVar:

NM_000321.3(RB1):c.1389+1G>C

Gene: RB1 (RB transcriptional corepressor 1; plus strand). Cytogenetic location: 13q14.2.
Variant type: single nucleotide variant.
Coding change: c.1389+1G>C on transcript NM_000321.3 (MANE Select); the canonical splice donor site of the intron after coding-DNA position 1389, G replaced by C.
Molecular consequence: splice donor variant.
Genome position (GRCh38, 1-based): chr13:48,379,651, G>C. VCF-style: chr13-48379651-G-C. GRCh37 (hg19) VCF-style: chr13-48953787-G-C.
Other names: c.1389+1G>C (NM_001407165.1, NM_001407166.1).
Identifiers: ClinVar variation 649139 (VCV000649139.10), dbSNP rs1060503087, ClinGen allele CA388162657.

ClinVar aggregate classification (germline): Pathogenic. Review status: criteria provided, multiple submitters, no conflicts (2 of 4 stars). 2 submissions from 2 submitters: Pathogenic (2). Last evaluated 2024-05-20.

Conditions:
Retinoblastoma (RB1). Also called: RETINOBLASTOMA, SOMATIC. Identifiers: Orphanet 790, MedGen C0035335, MeSH D012175, MONDO:0008380, OMIM 180200, HP:0009919. Disease mechanism: loss of function. Inheritance: Both sporadic and heritable forms are tested..

Submissions (2):

Genetic Diagnostic Laboratory, University of Pennsylvania School of Medicine
Classification: Pathogenic for Retinoblastoma. Last evaluated: 2024-05-20. Review status: criteria provided, single submitter. Criteria: ACMG Guidelines, 2015. Collection method: clinical testing. Allele origin: germline. Affected: yes. Observed: 2 variant alleles.
Comment: Case and Pedigree Information: BILATERAL CASES:2, UNILATERAL CASES:0, TOTAL CASES:2, PEDIGREES:2. ACMG Codes Applied:PVS1, PM2

Labcorp Genetics (formerly Invitae), Labcorp
Classification: Pathogenic for Retinoblastoma. Last evaluated: 2018-08-01. Review status: criteria provided, single submitter. Criteria: Invitae Variant Classification Sherloc (09022015). Collection method: clinical testing. Allele origin: germline.
Comment: For these reasons, this variant has been classified as Pathogenic. Donor and acceptor splice site variants typically lead to a loss of protein function (PMID: 16199547), and loss-of-function variants in RB1 are known to be pathogenic (PMID: 17096365). This variant has been observed in individuals affected with retinoblastoma (PMID: 12541220, 14769601, Invitae). This variant is also known as c.1527+1G>C and g.764487G>C in the literature. This variant is not present in population databases (ExAC no frequency). This sequence change affects a donor splice site in intron 14 of the RB1 gene. It is expected to disrupt RNA splicing and likely results in an absent or disrupted protein product.

Literature cited by the submitters: PubMed 16199547 (cited by Labcorp Genetics (formerly Invitae), Labcorp); PubMed 17096365 (cited by Labcorp Genetics (formerly Invitae), Labcorp); PubMed 12541220 (cited by Labcorp Genetics (formerly Invitae), Labcorp); PubMed 14769601 (cited by Labcorp Genetics (formerly Invitae), Labcorp).